The following is an entry in ClinVar:

NM_005428.4(VAV1):c.557C>T (p.Pro186Leu)

Gene: VAV1 (vav guanine nucleotide exchange factor 1; plus strand). Cytogenetic location: 19p13.3.
Variant type: single nucleotide variant.
Coding change: c.557C>T on transcript NM_005428.4 (MANE Select); coding-DNA position 557, C replaced by T.
Protein change: p.Pro186Leu; replaces proline 186 with leucine.
Molecular consequence: missense variant.
Genome position (GRCh38, 1-based): chr19:6,822,328, C>T. VCF-style: chr19-6822328-C-T. GRCh37 (hg19) VCF-style: chr19-6822339-C-T.
Other names: c.557C>T, p.Pro186Leu (NM_001258206.2, NM_001258207.2); short protein forms P186L.
Identifiers: ClinVar variation 2049247 (VCV002049247.4), dbSNP rs2512359183, ClinGen allele CA403615943.

ClinVar aggregate classification (germline): Uncertain significance (1 of 4 stars; one submission).

gnomAD v4.1: 3 of 1,164,416 alleles (0.00026%); highest among the groups gnomAD compares: South Asian, 0.0013%; no homozygotes.

Submission:

Labcorp Genetics (formerly Invitae), Labcorp
Classification: Uncertain significance. Last evaluated: 2025-03-17. Review status: criteria provided, single submitter. Criteria: Invitae Variant Classification Sherloc (09022015). Collection method: clinical testing. Allele origin: germline.
Comment: This sequence change replaces proline, which is neutral and non-polar, with leucine, which is neutral and non-polar, at codon 186 of the VAV1 protein (p.Pro186Leu). This variant is not present in population databases (gnomAD no frequency). This variant has not been reported in the literature in individuals affected with VAV1-related conditions. ClinVar contains an entry for this variant (Variation ID: 2049247). An algorithm developed to predict the effect of missense changes on protein structure and function outputs the following: PolyPhen-2: "Benign". The leucine amino acid residue is found in multiple mammalian species, which suggests that this missense change does not adversely affect protein function. In summary, the available evidence is currently insufficient to determine the role of this variant in disease. Therefore, it has been classified as a Variant of Uncertain Significance.